The following is an entry in ClinVar:

ClinVar aggregate classification (germline): Pathogenic (1 of 4 stars; one submission).

Conditions:
Pyruvate carboxylase deficiency. Also called: ATAXIA WITH LACTIC ACIDOSIS II; LEIGH NECROTIZING ENCEPHALOPATHY DUE TO PYRUVATE CARBOXYLASE DEFICIENCY; LEIGH SYNDROME DUE TO PYRUVATE CARBOXYLASE DEFICIENCY; PC DEFICIENCY; Pyruvate Carboxylase Deficiency Disease. Identifiers: Orphanet 3008, MedGen C0034341, MONDO:0009949, OMIM 266150.

Submission:

Myriad Genetics, Inc.
Classification: Pathogenic for Pyruvate carboxylase deficiency. Last evaluated: 2025-07-23. Review status: criteria provided, single submitter. Criteria: Myriad Autosomal Dominant, Autosomal Recessive and X-Linked Classification Criteria (2023). Collection method: clinical testing. Allele origin: unknown.
Comment: NM_000920.3(PC):c.3051delT(F1017Lfs*17) is expected to be pathogenic in the context of pyruvate carboxylase deficiency. This variant is predicted to lead to an abnormal or absent protein product due to the creation of a premature termination codon in PC, a gene where loss-of-function variants are known to be pathogenic. Please note: this variant was assessed in the context of healthy population screening.

NM_001040716.2(PC):c.3051del (p.Phe1017fs)

Gene: PC (pyruvate carboxylase; minus strand). Cytogenetic location: 11q13.2.
Variant type: Deletion.
Coding change: c.3051del on transcript NM_001040716.2 (MANE Select); coding-DNA position 3051, one base deleted (T; older notation c.3051delT).
Protein change: p.Phe1017fs; shifts the reading frame from phenylalanine 1017.
Molecular consequence: frameshift variant.
Genome position (GRCh38, 1-based): chr11:66,849,707, A deleted on the plus strand (T on the coding strand, the reverse complement: PC is on the minus strand); the first of 3 consecutive A bases (chr11:66,849,707-66,849,709); deleting any one gives the same sequence. VCF-style (leftmost placement, unchanged base first): chr11-66849706-CA-C. GRCh37 (hg19) VCF-style: chr11-66617177-CA-C.
Other names: c.3051del, p.Phe1017fs (NM_000920.4, NM_001439352.1, NM_001439353.1 and 5 more transcripts); short protein forms F1017fs.
Identifiers: ClinVar variation 5014767 (VCV005014767.1).
Genomic context (GRCh38, chr11:66,849,706, plus strand): 5'-AGAGGCGAGTATTCAGGCTATCCAGGGGGCCAAAGGTGGCAGTGAAGTCCTTGAAGTGGG[CA>C]AACACATCGGGGTACATAGCTGCTGAGAGCACATCTTCCGGCGTCACCTCCTCCCCATGC-3'